The following is an entry in ClinVar:

ClinVar aggregate classification (germline): Uncertain significance. Review status: criteria provided, multiple submitters, no conflicts (2 of 4 stars). 2 submissions from 2 submitters: Uncertain significance (2). Last evaluated 2022-05-07.

Conditions:
Progressive myoclonic epilepsy. Also called: Myoclonic Epilepsies, Progressive; Myoclonus epilepsy; Progressive myoclonus epilepsy; Familial progressive myoclonic epilepsy. Identifiers: Orphanet 308, Orphanet 98261, MedGen C0751778, MONDO:0020074.

Allele frequency attached by ClinVar (database versions not stated): gnomAD exomes below 0.00001 and 0.00001; TOPMed below 0.00001.
gnomAD v4.1: 3 of 1,613,634 alleles (0.00019%); highest among the groups gnomAD compares: Admixed American, 0.0017%; no homozygotes.

Submissions (2):

Labcorp Genetics (formerly Invitae), Labcorp
Classification: Uncertain significance for Progressive myoclonic epilepsy. Last evaluated: 2022-05-07. Review status: criteria provided, single submitter. Criteria: Invitae Variant Classification Sherloc (09022015). Collection method: clinical testing. Allele origin: germline.
Comment: This sequence change replaces alanine, which is neutral and non-polar, with threonine, which is neutral and polar, at codon 83 of the GOSR2 protein (p.Ala83Thr). This variant is present in population databases (no rsID available, gnomAD 0.007%). This variant has not been reported in the literature in individuals affected with GOSR2-related conditions. ClinVar contains an entry for this variant (Variation ID: 1312855). Algorithms developed to predict the effect of missense changes on protein structure and function are either unavailable or do not agree on the potential impact of this missense change (SIFT: "Deleterious"; PolyPhen-2: "Benign"; Align-GVGD: "Class C0"). In summary, the available evidence is currently insufficient to determine the role of this variant in disease. Therefore, it has been classified as a Variant of Uncertain Significance.

GeneDx
Classification: Uncertain significance. Last evaluated: 2020-07-02. Review status: criteria provided, single submitter. Criteria: GeneDx Variant Classification Process June 2021. Collection method: clinical testing. Allele origin: germline. Affected: yes.
Comment: Not observed at a significant frequency in large population cohorts (Lek et al., 2016); In silico analysis supports that this missense variant has a deleterious effect on protein structure/function; Has not been previously published as pathogenic or benign to our knowledge

NM_004287.5(GOSR2):c.247G>A (p.Ala83Thr)

Genes: LRRC37A2 (leucine rich repeat containing 37 member A2), GOSR2 (golgi SNAP receptor complex member 2; plus strand), LOC126862578 (BRD4-independent group 4 enhancer GRCh37_chr17:45008344-45009543; plus strand). Cytogenetic location: 17q21.32.
Variant type: single nucleotide variant.
Coding change: c.247G>A on transcript NM_004287.5 (MANE Select); coding-DNA position 247, G replaced by A.
Protein change: p.Ala83Thr; replaces alanine 83 with threonine.
Molecular consequence: missense variant. On other transcripts: non-coding transcript variant (3).
Genome position (GRCh38, 1-based): chr17:46,932,110, G>A. VCF-style: chr17-46932110-G-A. GRCh37 (hg19) VCF-style: chr17-45009476-G-A.
Other names: c.247G>A, p.Ala83Thr (NM_001012511.3, NM_001321133.2, NM_001330252.2 and 1 more transcripts); c.193G>A, p.Ala65Thr (NM_001321134.2, NM_001363851.2); c.244G>A, p.Ala82Thr (NM_001353114.2, NM_001353115.2, NM_001353116.2); short protein forms A65T, A82T, A83T.
Identifiers: ClinVar variation 1312855 (VCV001312855.3), dbSNP rs920586501, ClinGen allele CA291198818.